The following is an entry in ClinVar:

NM_000179.3(MSH6):c.2045C>A (p.Ser682Tyr)

Gene: MSH6 (mutS homolog 6; plus strand). Cytogenetic location: 2p16.3.
Variant type: single nucleotide variant.
Coding change: c.2045C>A on transcript NM_000179.3 (MANE Select); coding-DNA position 2045, C replaced by A.
Protein change: p.Ser682Tyr; replaces serine 682 with tyrosine.
Molecular consequence: missense variant.
Genome position (GRCh38, 1-based): chr2:47,800,028, C>A. VCF-style: chr2-47800028-C-A. GRCh37 (hg19) VCF-style: chr2-48027167-C-A.
Other names: c.1655C>A, p.Ser552Tyr (NM_001281492.2); c.1139C>A, p.Ser380Tyr (NM_001281493.2, NM_001281494.2); short protein forms S682Y, S552Y, S380Y.
Identifiers: ClinVar variation 489976 (VCV000489976.6), dbSNP rs587779225, ClinGen allele CA346750752.

ClinVar aggregate classification (germline): Uncertain significance. Review status: criteria provided, multiple submitters, no conflicts (2 of 4 stars). 2 submissions from 2 submitters: Uncertain significance (2). Last evaluated 2023-08-24.

Conditions:
Hereditary cancer-predisposing syndrome. Also called: Hereditary Cancer Syndrome; Neoplastic Syndromes, Hereditary; Tumor predisposition; Hereditary neoplastic syndrome. Identifiers: Orphanet 140162, MedGen C0027672, MeSH D009386, MONDO:0015356.
Hereditary nonpolyposis colorectal neoplasms. Identifiers: MedGen C0009405, MeSH D003123.

Submissions (2):

Labcorp Genetics (formerly Invitae), Labcorp
Classification: Uncertain significance for Hereditary nonpolyposis colorectal neoplasms. Last evaluated: 2023-08-24. Review status: criteria provided, single submitter. Criteria: Invitae Variant Classification Sherloc (09022015). Collection method: clinical testing. Allele origin: germline.
Comment: In summary, the available evidence is currently insufficient to determine the role of this variant in disease. Therefore, it has been classified as a Variant of Uncertain Significance. Advanced modeling of protein sequence and biophysical properties (such as structural, functional, and spatial information, amino acid conservation, physicochemical variation, residue mobility, and thermodynamic stability) has been performed at Invitae for this missense variant, however the output from this modeling did not meet the statistical confidence thresholds required to predict the impact of this variant on MSH6 protein function. ClinVar contains an entry for this variant (Variation ID: 489976). This variant has not been reported in the literature in individuals affected with MSH6-related conditions. This variant is not present in population databases (gnomAD no frequency). This sequence change replaces serine, which is neutral and polar, with tyrosine, which is neutral and polar, at codon 682 of the MSH6 protein (p.Ser682Tyr).

Color Diagnostics, LLC DBA Color Health
Classification: Uncertain significance for Hereditary cancer-predisposing syndrome. Last evaluated: 2018-08-02. Review status: criteria provided, single submitter. Criteria: ACMG Guidelines, 2015. Collection method: clinical testing. Allele origin: germline.